The following is an entry in ClinVar:

ClinVar aggregate classification (germline): Uncertain significance. Review status: criteria provided, multiple submitters, no conflicts (2 of 4 stars). 2 submissions from 2 submitters: Uncertain significance (2). Last evaluated 2022-07-23.

Conditions:
Cystic fibrosis (CF). Also called: MUCOVISCIDOSIS. Identifiers: Orphanet 586, MedGen C0010674, MONDO:0009061, OMIM 219700. Disease mechanism: loss of function.

Submissions (2):

Johns Hopkins Genomics, Johns Hopkins University
Classification: Uncertain significance for Cystic fibrosis. Last evaluated: 2022-07-23. Review status: criteria provided, single submitter. Criteria: ACMG Guidelines, 2015. Collection method: clinical testing. Allele origin: germline.
Comment: It is absent from a large population dataset and has not been reported in the literature, to our knowledge. Three bioinformatic tools queried predict that this amino acid substitution would be tolerated and the serine residue at this position is not highly evolutionarily conserved across the species assessed. Bioinformatic analysis predicts that this variant may create a cryptic donor site and impact exon 17 (legacy exon 15) splicing however this has not been confirmed experimentally to our knowledge. Due to insufficient evidence that this variant is deleterious, we consider the clinical significance of CFTR c.2437T>A to be uncertain at this time.

Women's Health and Genetics/Laboratory Corporation of America, LabCorp
Classification: Uncertain significance. Last evaluated: 2017-07-18. Review status: criteria provided, single submitter. Criteria: LabCorp Variant Classification Summary - May 2015. Collection method: clinical testing. Allele origin: germline.
Comment: Variant summary: The CFTR c.2734T>A (p.Ser912Thr) variant located in the ABC transporter type 1, transmembrane domain (via InterPro) involves the alteration of a non-conserved nucleotide and 3/4 in silico tools (Polyphen not working at time of scoring) predict a benign outcome. However, predictions have yet to be functionally assessed. This variant is absent in 121272 control chromosomes (ExAC). The variant of interest has not, to our knowledge, been reported in affected individuals via publications and/or reputable databases/clinical diagnostic laboratories. Because of the absence of clinical information and the lack of functional studies, the variant is classified as a "Variant of Uncertain Significance (VUS)," until additional information becomes available.

NM_000492.4(CFTR):c.2734T>A (p.Ser912Thr)

Gene: CFTR (CF transmembrane conductance regulator; plus strand). Cytogenetic location: 7q31.2.
Variant type: single nucleotide variant.
Coding change: c.2734T>A on transcript NM_000492.4 (MANE Select); coding-DNA position 2734, T replaced by A.
Protein change: p.Ser912Thr; replaces serine 912 with threonine.
Molecular consequence: missense variant.
Genome position (GRCh38, 1-based): chr7:117,603,608, T>A. VCF-style: chr7-117603608-T-A. GRCh37 (hg19) VCF-style: chr7-117243662-T-A.
Other names: short protein forms S912T.
Identifiers: ClinVar variation 495914 (VCV000495914.2), dbSNP rs1554390984, ClinGen allele CA368986531.